The following is an entry in ClinVar:

ClinVar aggregate classification (germline): Uncertain significance (1 of 4 stars; one submission).

Submission:

Labcorp Genetics (formerly Invitae), Labcorp
Classification: Uncertain significance. Last evaluated: 2022-04-19. Review status: criteria provided, single submitter. Criteria: Invitae Variant Classification Sherloc (09022015). Collection method: clinical testing. Allele origin: germline.
Comment: In summary, the available evidence is currently insufficient to determine the role of this variant in disease. Therefore, it has been classified as a Variant of Uncertain Significance. Algorithms developed to predict the effect of missense changes on protein structure and function are either unavailable or do not agree on the potential impact of this missense change (SIFT: "Deleterious"; PolyPhen-2: "Probably Damaging"; Align-GVGD: "Class C0"). This variant has not been reported in the literature in individuals affected with GGCX-related conditions. This variant is not present in population databases (gnomAD no frequency). This sequence change replaces arginine, which is basic and polar, with serine, which is neutral and polar, at codon 694 of the GGCX protein (p.Arg694Ser).

NM_000821.7(GGCX):c.2080C>A (p.Arg694Ser)

Gene: GGCX (gamma-glutamyl carboxylase; minus strand). Cytogenetic location: 2p11.2.
Variant type: single nucleotide variant.
Coding change: c.2080C>A on transcript NM_000821.7 (MANE Select); coding-DNA position 2080, C replaced by A.
Protein change: p.Arg694Ser; replaces arginine 694 with serine.
Molecular consequence: missense variant.
Genome position (GRCh38, 1-based): chr2:85,550,559, G>T on the plus strand (C>A on the coding strand, the complement: GGCX is on the minus strand). VCF-style: chr2-85550559-G-T. GRCh37 (hg19) VCF-style: chr2-85777682-G-T.
Other names: c.1909C>A, p.Arg637Ser (NM_001142269.4); short protein forms R694S, R637S.
Identifiers: ClinVar variation 2128080 (VCV002128080.4), dbSNP rs374455399, ClinGen allele CA347482418.